The following is an entry in ClinVar:

NM_031433.4(MFRP):c.642-3C>T

Genes: C1QTNF5 (C1q and TNF related 5; minus strand), MFRP (membrane frizzled-related protein; minus strand). Cytogenetic location: 11q23.3.
Variant type: single nucleotide variant.
Coding change: c.642-3C>T on transcript NM_031433.4 (MANE Select); 3 bases into the intron before coding-DNA position 642, C replaced by T.
Molecular consequence: intron variant.
Genome position (GRCh38, 1-based): chr11:119,345,007, G>A on the plus strand (C>T on the coding strand, the complement: MFRP is on the minus strand). VCF-style: chr11-119345007-G-A. GRCh37 (hg19) VCF-style: chr11-119215717-G-A.
Other names: c.-1995-3C>T (NM_015645.5).
Identifiers: ClinVar variation 960962 (VCV000960962.6), dbSNP rs759013047, ClinGen allele CA6320462.

ClinVar aggregate classification (germline): Uncertain significance (1 of 4 stars; one submission).

Conditions:
Isolated microphthalmia 5. Also called: Posterior Microphthalmia with Retinitis Pigmentosa, Foveoschisis, and Optic Disc Drusen. Identifiers: Orphanet 251279, MedGen C1970236, MONDO:0012605, OMIM 611040.

Allele frequency attached by ClinVar (database versions not stated): gnomAD exomes 0.00001 and 0.00003; ExAC 0.00001; gnomAD 0.00013; TOPMed 0.00019.
gnomAD v4.1: 40 of 1,603,012 alleles (0.0025%); highest among the groups gnomAD compares: Admixed American, 0.024%; no homozygotes.

Submission:

Labcorp Genetics (formerly Invitae), Labcorp
Classification: Uncertain significance for Isolated microphthalmia 5. Last evaluated: 2026-01-26. Review status: criteria provided, single submitter. Criteria: Invitae Variant Classification Sherloc (09022015). Collection method: clinical testing. Allele origin: germline.
Comment: This sequence change falls in intron 5 of the MFRP gene. It does not directly change the encoded amino acid sequence of the MFRP protein. It affects a nucleotide within the consensus splice site. This variant is present in population databases (rs759013047, gnomAD 0.03%). This variant has not been reported in the literature in individuals affected with MFRP-related conditions. ClinVar contains an entry for this variant (Variation ID: 960962). Variants that disrupt the consensus splice site are a relatively common cause of aberrant splicing (PMID: 17576681, 9536098). Algorithms developed to predict the effect of sequence changes on RNA splicing suggest that this variant is not likely to affect RNA splicing. In summary, the available evidence is currently insufficient to determine the role of this variant in disease. Therefore, it has been classified as a Variant of Uncertain Significance.

Literature cited by the submitters: PubMed 17576681; PubMed 9536098.